The following is an entry in ClinVar:

ClinVar aggregate classification (germline): Conflicting classifications of pathogenicity. Review status: criteria provided, conflicting classifications (1 of 4 stars). 4 submissions from 4 submitters: Uncertain significance (2); Likely benign (2). Last evaluated 2025-07-14.

Conditions:
Inborn genetic diseases. Identifiers: MedGen C0950123, MeSH D030342.
Focal segmental glomerulosclerosis 5 (FSGS5). Identifiers: Orphanet 656, MedGen C2750475, MONDO:0013191, OMIM 613237.
Charcot-Marie-Tooth disease dominant intermediate E. Also called: CHARCOT-MARIE-TOOTH NEUROPATHY WITH FOCAL SEGMENTAL GLOMERULONEPHRITIS. Identifiers: Orphanet 93114, MedGen C4302667, MONDO:0013758, OMIM 614455.

Allele frequency attached by ClinVar (database versions not stated): ExAC 0.00003; gnomAD exomes 0.00003 and 0.00010; gnomAD 0.00006 and 0.00007; TOPMed 0.00006.
gnomAD v4.1: 158 of 1,612,862 alleles (0.0098%); highest among the groups gnomAD compares: Non-Finnish European, 0.012%; no homozygotes.

Submissions (4):

Labcorp Genetics (formerly Invitae), Labcorp
Classification: Uncertain significance for Charcot-Marie-Tooth disease dominant intermediate E; Focal segmental glomerulosclerosis 5. Last evaluated: 2025-07-14. Review status: criteria provided, single submitter. Criteria: Invitae Variant Classification Sherloc (09022015). Collection method: clinical testing. Allele origin: germline.
Comment: This sequence change falls in intron 3 of the INF2 gene. It does not directly change the encoded amino acid sequence of the INF2 protein. It affects a nucleotide within the consensus splice site. This variant is present in population databases (rs749868411, gnomAD 0.006%). This variant has not been reported in the literature in individuals affected with INF2-related conditions. ClinVar contains an entry for this variant (Variation ID: 643625). Variants that disrupt the consensus splice site are a relatively common cause of aberrant splicing (PMID: 17576681, 9536098). Algorithms developed to predict the effect of sequence changes on RNA splicing suggest that this variant is not likely to affect RNA splicing. In summary, the available evidence is currently insufficient to determine the role of this variant in disease. Therefore, it has been classified as a Variant of Uncertain Significance.

Laboratory of Genetics, Children's Clinical University Hospital Latvia
Classification: Likely benign. Last evaluated: 2025-02-16. Review status: criteria provided, single submitter. Criteria: ACMG Guidelines, 2015. Collection method: clinical testing. Allele origin: germline. Affected: yes.

Blueprint Genetics
Classification: Likely benign. Last evaluated: 2024-09-17. Review status: criteria provided, single submitter. Criteria: ACMG Guidelines, 2015. Collection method: clinical testing. Allele origin: germline.

Ambry Genetics
Classification: Uncertain significance for Inborn genetic diseases. Last evaluated: 2019-12-03. Review status: criteria provided, single submitter. Criteria: Ambry Variant Classification Scheme 2023. Collection method: clinical testing. Allele origin: germline.
Comment: The c.507+6C>T intronic variant results from a C to T substitution 6 nucleotides after coding exon 2 in the INF2 gene. This nucleotide position is poorly conserved in available vertebrate species. Using the BDGP and ESEfinder splice site prediction tools, this alteration is not predicted to have any significant effect on this splice donor site; however, direct evidence is unavailable. Since supporting evidence is limited at this time, the clinical significance of this alteration remains unclear.

Literature cited by the submitters: PubMed 17576681 (cited by Labcorp Genetics (formerly Invitae), Labcorp); PubMed 9536098 (cited by Labcorp Genetics (formerly Invitae), Labcorp).

NM_022489.4(INF2):c.507+6C>T

Gene: INF2 (inverted formin 2; plus strand). Cytogenetic location: 14q32.33.
Variant type: single nucleotide variant.
Coding change: c.507+6C>T on transcript NM_022489.4 (MANE Select); 6 bases into the intron after coding-DNA position 507, C replaced by T.
Molecular consequence: intron variant.
Genome position (GRCh38, 1-based): chr14:104,703,226, C>T. VCF-style: chr14-104703226-C-T. GRCh37 (hg19) VCF-style: chr14-105169563-C-T.
Other names: c.507+6C>T (NM_001031714.4, NM_032714.3).
Identifiers: ClinVar variation 643625 (VCV000643625.14), dbSNP rs749868411, ClinGen allele CA7372308.